The following is an entry in ClinVar:

ClinVar aggregate classification (germline): Uncertain significance (1 of 4 stars; one submission).

Allele frequency attached by ClinVar (database versions not stated): TOPMed 0.00001.

Submission:

Labcorp Genetics (formerly Invitae), Labcorp
Classification: Uncertain significance. Last evaluated: 2022-10-13. Review status: criteria provided, single submitter. Criteria: Invitae Variant Classification Sherloc (09022015). Collection method: clinical testing. Allele origin: germline.
Comment: In summary, the available evidence is currently insufficient to determine the role of this variant in disease. Therefore, it has been classified as a Variant of Uncertain Significance. Algorithms developed to predict the effect of missense changes on protein structure and function are either unavailable or do not agree on the potential impact of this missense change (SIFT: "Deleterious"; PolyPhen-2: "Possibly Damaging"; Align-GVGD: "Class C0"). This variant has not been reported in the literature in individuals affected with SCLT1-related conditions. This variant is not present in population databases (gnomAD no frequency). This sequence change replaces glutamic acid, which is acidic and polar, with glycine, which is neutral and non-polar, at codon 111 of the SCLT1 protein (p.Glu111Gly).

NM_144643.4(SCLT1):c.332A>G (p.Glu111Gly)

Gene: SCLT1 (sodium channel and clathrin linker 1; minus strand). Cytogenetic location: 4q28.2.
Variant type: single nucleotide variant.
Coding change: c.332A>G on transcript NM_144643.4 (MANE Select); coding-DNA position 332, A replaced by G.
Protein change: p.Glu111Gly; replaces glutamic acid 111 with glycine.
Molecular consequence: missense variant.
Genome position (GRCh38, 1-based): chr4:129,003,835, T>C on the plus strand (A>G on the coding strand, the complement: SCLT1 is on the minus strand). VCF-style: chr4-129003835-T-C. GRCh37 (hg19) VCF-style: chr4-129924990-T-C.
Other names: c.332A>G, p.Glu111Gly (NM_001410807.1); short protein forms E111G.
Identifiers: ClinVar variation 1980497 (VCV001980497.4), dbSNP rs1743749817, ClinGen allele CA358183335.